The following is an entry in ClinVar:

NM_002439.5(MSH3):c.1633C>G (p.Leu545Val)

Gene: MSH3 (mutS homolog 3; plus strand). Cytogenetic location: 5q14.1.
Variant type: single nucleotide variant.
Coding change: c.1633C>G on transcript NM_002439.5 (MANE Select); coding-DNA position 1633, C replaced by G.
Protein change: p.Leu545Val; replaces leucine 545 with valine.
Molecular consequence: missense variant.
Genome position (GRCh38, 1-based): chr5:80,741,528, C>G. VCF-style: chr5-80741528-C-G. GRCh37 (hg19) VCF-style: chr5-80037347-C-G.
Other names: short protein forms L545V.
Identifiers: ClinVar variation 1004664 (VCV001004664.9), dbSNP rs1743614415, ClinGen allele CA360274558.

ClinVar aggregate classification (germline): Uncertain significance. Review status: criteria provided, multiple submitters, no conflicts (2 of 4 stars). 2 submissions from 2 submitters: Uncertain significance (2). Last evaluated 2024-02-02.

Conditions:
Endometrial carcinoma. Also called: Endometrial carcinoma, somatic. Identifiers: MedGen C0476089, MONDO:0002447, OMIM 608089, HP:0012114.

Submissions (2):

Baylor Genetics
Classification: Uncertain significance for Endometrial carcinoma. Last evaluated: 2024-02-02. Review status: criteria provided, single submitter. Criteria: ACMG Guidelines, 2015. Collection method: clinical testing. Allele origin: unknown.

Labcorp Genetics (formerly Invitae), Labcorp
Classification: Uncertain significance. Last evaluated: 2022-05-07. Review status: criteria provided, single submitter. Criteria: Invitae Variant Classification Sherloc (09022015). Collection method: clinical testing. Allele origin: germline.
Comment: ClinVar contains an entry for this variant (Variation ID: 1004664). This variant has not been reported in the literature in individuals affected with MSH3-related conditions. This variant is not present in population databases (gnomAD no frequency). This sequence change replaces leucine, which is neutral and non-polar, with valine, which is neutral and non-polar, at codon 545 of the MSH3 protein (p.Leu545Val). In summary, the available evidence is currently insufficient to determine the role of this variant in disease. Therefore, it has been classified as a Variant of Uncertain Significance. Algorithms developed to predict the effect of missense changes on protein structure and function are either unavailable or do not agree on the potential impact of this missense change (SIFT: "Deleterious"; PolyPhen-2: "Probably Damaging"; Align-GVGD: "Class C0").